The following is an entry in ClinVar:

ClinVar aggregate classification (germline): Likely benign (0 of 4 stars; one submission).

Conditions:
LHX4-related disorder. Also called: LHX4-related condition.

Allele frequency attached by ClinVar (database versions not stated): TOPMed 0.00001; gnomAD exomes 0.00002; ExAC 0.00004; gnomAD 0.00004; ESP Exome Variant Server 0.00008; 1000 Genomes Project 30x 0.00031; 1000 Genomes Project 0.00040.
gnomAD v4.1: 33 of 1,614,194 alleles (0.002%); highest among the groups gnomAD compares: South Asian, 0.0077%; no homozygotes.

Submission:

PreventionGenetics, part of Exact Sciences
Classification: Likely benign for LHX4-related condition. Last evaluated: 2021-02-04. Review status: no assertion criteria provided. Collection method: clinical testing. Allele origin: germline.
Comment: This variant is classified as likely benign based on ACMG/AMP sequence variant interpretation guidelines (Richards et al. 2015 PMID: 25741868, with internal and published modifications).

NM_033343.4(LHX4):c.828C>T (p.Asn276=)

Genes: ACBD6 (acyl-CoA binding domain containing 6; minus strand), LHX4 (LIM homeobox 4; plus strand), LHX4-AS1 (LHX4 antisense RNA 1; minus strand). Cytogenetic location: 1q25.2.
Variant type: single nucleotide variant.
Coding change: c.828C>T on transcript NM_033343.4 (MANE Select); coding-DNA position 828, C replaced by T.
Protein change: p.Asn276=; no amino-acid change (asparagine 276 retained).
Molecular consequence: synonymous variant.
Genome position (GRCh38, 1-based): chr1:180,274,234, C>T. VCF-style: chr1-180274234-C-T. GRCh37 (hg19) VCF-style: chr1-180243369-C-T.
Identifiers: ClinVar variation 3035109 (VCV003035109.2), dbSNP rs139155359, ClinGen allele CA1272028.